The following is an entry in ClinVar:

ClinVar aggregate classification (germline): Uncertain significance (1 of 4 stars; one submission).

Submission:

Dasa
Classification: Uncertain significance. Last evaluated: 2026-05-28. Review status: criteria provided, single submitter. Criteria: DASA Assertion Criteria. Collection method: clinical testing. Allele origin: germline.
Comment: NM_012310.5(KIF4A):c.2256G>C (p.Glu752Asp) is a missense variant that results in the substitution of glutamic acid with aspartic acid. This variant is absent from population databases. The currently available literature and clinical evidence are not sufficient to establish a definitive association between this variant and the reported condition. Therefore, this variant is classified as a variant of uncertain significance.

NM_012310.5(KIF4A):c.2256G>C (p.Glu752Asp)

Gene: KIF4A (kinesin family member 4A; plus strand). Cytogenetic location: Xq13.1.
Variant type: single nucleotide variant.
Coding change: c.2256G>C on transcript NM_012310.5 (MANE Select); coding-DNA position 2256, G replaced by C.
Protein change: p.Glu752Asp; replaces glutamic acid 752 with aspartic acid.
Molecular consequence: missense variant.
Genome position (GRCh38, 1-based): chrX:70,395,694, G>C. VCF-style: chrX-70395694-G-C. GRCh37 (hg19) VCF-style: chrX-69615544-G-C.
Other names: short protein forms E752D.
Identifiers: ClinVar variation 5020464 (VCV005020464.1).